The following is an entry in ClinVar:

ClinVar aggregate classification (germline): Benign/Likely benign. Review status: criteria provided, multiple submitters, no conflicts (2 of 4 stars). 5 submissions from 5 submitters: Benign (1); Likely benign (3). 1 of the submissions does not count toward it. Last evaluated 2024-11-26.

Conditions:
PDE1C-related disorder. Also called: PDE1C-related condition.

Allele frequency attached by ClinVar (database versions not stated): 1000 Genomes Project 0.00260; 1000 Genomes Project 30x 0.00265; ExAC 0.00576; gnomAD exomes 0.00634 and 0.01046; gnomAD 0.00680 and 0.00693; TOPMed 0.00739; ESP Exome Variant Server 0.00915.
gnomAD v4.1: 16,321 of 1,614,004 alleles (1%); highest among the groups gnomAD compares: Non-Finnish European, 1.3%; 112 homozygotes.

Submissions (5):

Blueprint Genetics
Classification: Likely benign. Last evaluated: 2024-11-26. Review status: criteria provided, single submitter. Criteria: ACMG Guidelines, 2015. Collection method: clinical testing. Allele origin: germline.

CeGaT Center for Human Genetics Tuebingen
Classification: Benign. Last evaluated: 2022-07-01. Review status: criteria provided, single submitter. Criteria: CeGaT Center For Human Genetics Tuebingen Variant Classification Criteria Version 2. Collection method: clinical testing. Allele origin: germline. Affected: yes. Observed: 1 variant allele.
Comment: PDE1C: BP4, BS1, BS2

Labcorp Genetics (formerly Invitae), Labcorp
Classification: Likely benign. Last evaluated: 2019-12-31. Review status: criteria provided, single submitter. Criteria: Invitae Variant Classification Sherloc (09022015). Collection method: clinical testing. Allele origin: germline.

Breakthrough Genomics
Classification: Likely benign. Review status: criteria provided, single submitter. Criteria: ACMG Guidelines, 2015. Collection method: not provided. Allele origin: germline. Inheritance: Autosomal dominant inheritance. Affected: yes.

PreventionGenetics, part of Exact Sciences
Classification: Benign for PDE1C-related condition. Last evaluated: 2019-07-24. Review status: no assertion criteria provided. Collection method: clinical testing. Allele origin: germline. Not counted in ClinVar's aggregate classification.
Comment: This variant is classified as benign based on ACMG/AMP sequence variant interpretation guidelines (Richards et al. 2015 PMID: 25741868, with internal and published modifications).

NM_001191057.4(PDE1C):c.1726G>C (p.Val576Leu)

Gene: PDE1C (phosphodiesterase 1C; minus strand). Cytogenetic location: 7p14.3.
Variant type: single nucleotide variant.
Coding change: c.1726G>C on transcript NM_001191057.4 (MANE Select); coding-DNA position 1726, G replaced by C.
Protein change: p.Val576Leu; replaces valine 576 with leucine.
Molecular consequence: missense variant.
Genome position (GRCh38, 1-based): chr7:31,816,011, C>G on the plus strand (G>C on the coding strand, the complement: PDE1C is on the minus strand). VCF-style: chr7-31816011-C-G. GRCh37 (hg19) VCF-style: chr7-31855625-C-G.
Other names: c.1726G>C, p.Val576Leu (NM_001191056.3, NM_001191059.4, NM_001322055.2 and 3 more transcripts); c.1906G>C, p.Val636Leu (NM_001191058.4, NM_001322058.2); c.2131G>C, p.Val711Leu (NM_001322059.2); c.1906G>C (NM_001191058.3); short protein forms V711L, V636L, V576L.
Identifiers: ClinVar variation 773889 (VCV000773889.37), dbSNP rs61736729, ClinGen allele CA4210828.